The following is an entry in ClinVar:

ClinVar aggregate classification (germline): Uncertain significance (1 of 4 stars; one submission).

Allele frequency attached by ClinVar (database versions not stated): gnomAD exomes below 0.00001.
gnomAD v4.1: 1 of 1,550,254 alleles (0.000065%); highest among the groups gnomAD compares: Non-Finnish European, 0.000087%; no homozygotes.

Submission:

Labcorp Genetics (formerly Invitae), Labcorp
Classification: Uncertain significance. Last evaluated: 2023-02-01. Review status: criteria provided, single submitter. Criteria: Invitae Variant Classification Sherloc (09022015). Collection method: clinical testing. Allele origin: germline.
Comment: This sequence change replaces serine, which is neutral and polar, with isoleucine, which is neutral and non-polar, at codon 819 of the ZNF469 protein (p.Ser819Ile). This variant is present in population databases (no rsID available, gnomAD 0.004%). This variant has not been reported in the literature in individuals affected with ZNF469-related conditions. Algorithms developed to predict the effect of missense changes on protein structure and function are either unavailable or do not agree on the potential impact of this missense change (SIFT: "Deleterious"; PolyPhen-2: "Benign"; Align-GVGD: "Class C0"). In summary, the available evidence is currently insufficient to determine the role of this variant in disease. Therefore, it has been classified as a Variant of Uncertain Significance.

NM_001367624.2(ZNF469):c.2456G>T (p.Ser819Ile)

Gene: ZNF469 (zinc finger protein 469; plus strand). Cytogenetic location: 16q24.2.
Variant type: single nucleotide variant.
Coding change: c.2456G>T on transcript NM_001367624.2 (MANE Select); coding-DNA position 2456, G replaced by T.
Protein change: p.Ser819Ile; replaces serine 819 with isoleucine.
Molecular consequence: missense variant.
Genome position (GRCh38, 1-based): chr16:88,429,926, G>T. VCF-style: chr16-88429926-G-T. GRCh37 (hg19) VCF-style: chr16-88496334-G-T.
Other names: short protein forms S819I.
Identifiers: ClinVar variation 2791164 (VCV002791164.3), dbSNP rs1219074995, ClinGen allele CA397072199.